The following is an entry in ClinVar:

ClinVar aggregate classification (germline): Uncertain significance (1 of 4 stars; one submission).

Conditions:
Epileptic encephalopathy. Identifiers: MedGen C0543888, HP:0200134.

Submission:

Labcorp Genetics (formerly Invitae), Labcorp
Classification: Uncertain significance for Epileptic encephalopathy. Last evaluated: 2022-10-19. Review status: criteria provided, single submitter. Criteria: Invitae Variant Classification Sherloc (09022015). Collection method: clinical testing. Allele origin: germline.
Comment: This variant is not present in population databases (gnomAD no frequency). This variant, c.2588_2590del, results in the deletion of 1 amino acid(s) of the FASN protein (p.Asn863del), but otherwise preserves the integrity of the reading frame. This variant has not been reported in the literature in individuals affected with FASN-related conditions. In summary, the available evidence is currently insufficient to determine the role of this variant in disease. Therefore, it has been classified as a Variant of Uncertain Significance.

NM_004104.5(FASN):c.2585ACA[1] (p.Asn863del)

Gene: FASN (fatty acid synthase; minus strand). Cytogenetic location: 17q25.3.
Variant type: Microsatellite.
Coding change: c.2585ACA[1] on transcript NM_004104.5 (MANE Select); one copy of the 3-base unit ACA starting at c.2585; the reference has two copies in a row; one copy, 3 bases deleted.
Protein change: p.Asn863del; deletes asparagine 863.
Molecular consequence: inframe deletion.
Genome position (GRCh38, 1-based): chr17:82,088,393-82,088,395, TGT deleted on the plus strand (ACA on the coding strand, the reverse complement: FASN is on the minus strand); deleting any 3 consecutive bases within chr17:82,088,393-82,088,398 gives the same sequence; the position shown is the placement nearest the transcript's 3' end. VCF-style (leftmost placement, unchanged base first): chr17-82088392-ATGT-A. GRCh37 (hg19) VCF-style: chr17-80046268-ATGT-A.
Other names: short protein forms N863del.
Identifiers: ClinVar variation 2169834 (VCV002169834.4), dbSNP rs2034143888, ClinGen allele CA2278836524.